The following is an entry in ClinVar:

ClinVar aggregate classification (germline): Benign. Review status: criteria provided, multiple submitters, no conflicts (2 of 4 stars). 3 submissions from 3 submitters: Benign (2). 1 of the submissions does not count toward it. Last evaluated 2018-07-27.

Conditions:
LHX2-related disorder. Also called: LHX2-related condition.

Allele frequency attached by ClinVar (database versions not stated): ESP Exome Variant Server 0.00046; gnomAD 0.00324 and 0.00357; TOPMed 0.00657; ExAC 0.00820; 1000 Genomes Project 0.00978; 1000 Genomes Project 30x 0.01062; gnomAD exomes 0.01066.
gnomAD v4.1: 4,362 of 1,614,130 alleles (0.27%); highest among the groups gnomAD compares: Admixed American, 5.5%; 142 homozygotes.

Submissions (3):

Labcorp Genetics (formerly Invitae), Labcorp
Classification: Benign. Last evaluated: 2018-07-27. Review status: criteria provided, single submitter. Criteria: Invitae Variant Classification Sherloc (09022015). Collection method: clinical testing. Allele origin: germline.

Breakthrough Genomics
Classification: Benign. Review status: criteria provided, single submitter. Criteria: ACMG Guidelines, 2015. Collection method: not provided. Allele origin: germline. Inheritance: Unknown mechanism. Affected: yes.

PreventionGenetics, part of Exact Sciences
Classification: Benign for LHX2-related condition. Last evaluated: 2019-09-25. Review status: no assertion criteria provided. Collection method: clinical testing. Allele origin: germline. Not counted in ClinVar's aggregate classification.
Comment: This variant is classified as benign based on ACMG/AMP sequence variant interpretation guidelines (Richards et al. 2015 PMID: 25741868, with internal and published modifications).

NM_004789.4(LHX2):c.765C>T (p.Asp255=)

Gene: LHX2 (LIM homeobox 2; plus strand). Cytogenetic location: 9q33.3.
Variant type: single nucleotide variant.
Coding change: c.765C>T on transcript NM_004789.4 (MANE Select); coding-DNA position 765, C replaced by T.
Protein change: p.Asp255=; no amino-acid change (aspartic acid 255 retained).
Molecular consequence: synonymous variant.
Genome position (GRCh38, 1-based): chr9:124,021,136, C>T. VCF-style: chr9-124021136-C-T. GRCh37 (hg19) VCF-style: chr9-126783415-C-T.
Identifiers: ClinVar variation 770200 (VCV000770200.6), dbSNP rs61734362, ClinGen allele CA5233937.
Genomic context (GRCh38, chr9:124,021,136, plus strand): 5'-CCGGCTCTGTGTCTCCTCCCTAGCGCTAAGCTGCAACGAAAACGACGCAGAGCACCTGGA[C>T]CGTGACCAGCCATACCCGAGCAGCCAGAAGACCAAGCGCATGCGCACGTCCTTCAAGCAC-3'
Protein context (NP_004780.3, residues 245-265): SCNENDAEHL[Asp255=]RDQPYPSSQK